The following is an entry in ClinVar:

ClinVar aggregate classification (germline): Uncertain significance (1 of 4 stars; one submission).

Allele frequency attached by ClinVar (database versions not stated): gnomAD exomes below 0.00001.
gnomAD v4.1: 1 of 1,208,274 alleles (0.000083%); no homozygotes.

Submission:

Labcorp Genetics (formerly Invitae), Labcorp
Classification: Uncertain significance. Last evaluated: 2022-03-05. Review status: criteria provided, single submitter. Criteria: Invitae Variant Classification Sherloc (09022015). Collection method: clinical testing. Allele origin: germline.
Comment: This sequence change falls in intron 9 of the DRP2 gene. It does not directly change the encoded amino acid sequence of the DRP2 protein. It affects a nucleotide within the consensus splice site. This variant is not present in population databases (gnomAD no frequency). In summary, the available evidence is currently insufficient to determine the role of this variant in disease. Therefore, it has been classified as a Variant of Uncertain Significance. Variants that disrupt the consensus splice site are a relatively common cause of aberrant splicing (PMID: 17576681, 9536098). Algorithms developed to predict the effect of sequence changes on RNA splicing suggest that this variant may disrupt the consensus splice site. This variant has not been reported in the literature in individuals affected with DRP2-related conditions.

Literature cited by the submitters: PubMed 17576681; PubMed 9536098.

NM_001939.3(DRP2):c.1054+5G>A

Gene: DRP2 (dystrophin related protein 2; plus strand). Cytogenetic location: Xq22.1.
Variant type: single nucleotide variant.
Coding change: c.1054+5G>A on transcript NM_001939.3 (MANE Select); 5 bases into the intron after coding-DNA position 1054, G replaced by A.
Molecular consequence: intron variant.
Genome position (GRCh38, 1-based): chrX:101,242,987, G>A. VCF-style: chrX-101242987-G-A. GRCh37 (hg19) VCF-style: chrX-100497976-G-A.
Other names: c.820+5G>A (NM_001171184.2).
Identifiers: ClinVar variation 2107020 (VCV002107020.4), dbSNP rs2523072180, ClinGen allele CA2580100056.